The following is an entry in ClinVar:

NM_000283.4(PDE6B):c.491C>G (p.Ala164Gly)

Gene: PDE6B (phosphodiesterase 6B; plus strand). Cytogenetic location: 4p16.3.
Variant type: single nucleotide variant.
Coding change: c.491C>G on transcript NM_000283.4 (MANE Select); coding-DNA position 491, C replaced by G.
Protein change: p.Ala164Gly; replaces alanine 164 with glycine.
Molecular consequence: missense variant.
Genome position (GRCh38, 1-based): chr4:634,699, C>G. VCF-style: chr4-634699-C-G. GRCh37 (hg19) VCF-style: chr4-628488-C-G.
Other names: c.491C>G, p.Ala164Gly (NM_001145291.2); short protein forms A164G.
Identifiers: ClinVar variation 959974 (VCV000959974.10), dbSNP rs746748194, ClinGen allele CA355908136.

ClinVar aggregate classification (germline): Uncertain significance. Review status: criteria provided, multiple submitters, no conflicts (2 of 4 stars). 2 submissions from 2 submitters: Uncertain significance (2). Last evaluated 2022-03-17.

Allele frequency attached by ClinVar (database versions not stated): TOPMed 0.00002.
gnomAD v4.1: 4 of 1,613,014 alleles (0.00025%); highest among the groups gnomAD compares: Non-Finnish European, 0.00034%; no homozygotes.

Submissions (2):

Labcorp Genetics (formerly Invitae), Labcorp
Classification: Uncertain significance. Last evaluated: 2022-03-17. Review status: criteria provided, single submitter. Criteria: Invitae Variant Classification Sherloc (09022015). Collection method: clinical testing. Allele origin: germline.
Comment: This variant is not present in population databases (gnomAD no frequency). This variant has not been reported in the literature in individuals affected with PDE6B-related conditions. ClinVar contains an entry for this variant (Variation ID: 959974). Algorithms developed to predict the effect of missense changes on protein structure and function (SIFT, PolyPhen-2, Align-GVGD) all suggest that this variant is likely to be tolerated. Algorithms developed to predict the effect of sequence changes on RNA splicing suggest that this variant may create or strengthen a splice site. In summary, the available evidence is currently insufficient to determine the role of this variant in disease. Therefore, it has been classified as a Variant of Uncertain Significance. This sequence change replaces alanine, which is neutral and non-polar, with glycine, which is neutral and non-polar, at codon 164 of the PDE6B protein (p.Ala164Gly).

Blueprint Genetics
Classification: Uncertain significance. Last evaluated: 2017-12-27. Review status: criteria provided, single submitter. Criteria: ACMG Guidelines, 2015. Collection method: clinical testing. Allele origin: germline.